The following is an entry in ClinVar:

NM_018714.3(COG1):c.2816dup (p.Ala940fs)

Genes: COG1 (component of oligomeric golgi complex 1; plus strand), VCF1 (VCP nuclear cofactor family member 1; minus strand). Cytogenetic location: 17q25.1.
Variant type: Duplication.
Coding change: c.2816dup on transcript NM_018714.3 (MANE Select); coding-DNA position 2816, one base duplicated (C; older notation c.2816dupC).
Protein change: p.Ala940fs; shifts the reading frame from alanine 940.
Molecular consequence: frameshift variant. On other transcripts: 3 prime UTR variant (5).
Genome position (GRCh38, 1-based): chr17:73,208,324, C duplicated; the last of 6 consecutive C bases (chr17:73,208,319-73,208,324); duplicating any one gives the same sequence. VCF-style (leftmost placement, unchanged base first): chr17-73208318-T-TC. GRCh37 (hg19) VCF-style: chr17-71204457-T-TC.
Other names: c.*1210dup (NM_001098832.2, NM_001289412.2, NM_032837.3); c.*1359dup (NM_001289410.1, NM_001289411.1); short protein forms A940fs.
Identifiers: ClinVar variation 594850 (VCV000594850.16), dbSNP rs776834154, ClinGen allele CA8740674.

ClinVar aggregate classification (germline): Uncertain significance. Review status: criteria provided, multiple submitters, no conflicts (2 of 4 stars). 3 submissions from 3 submitters: Uncertain significance (3). Last evaluated 2023-12-17.

Conditions:
COG1 congenital disorder of glycosylation (CDG2G). Also called: CONGENITAL DISORDER OF GLYCOSYLATION, TYPE IIg; CDG IIg; CDGII/COG1 CEREBROCOSTOMANDIBULAR-LIKE SYNDROME. Identifiers: Orphanet 263508, MedGen C2931011, MONDO:0012637, OMIM 611209.

Submissions (3):

GeneDx
Classification: Uncertain significance. Last evaluated: 2023-12-17. Review status: criteria provided, single submitter. Criteria: GeneDx Variant Classification Process June 2021. Collection method: clinical testing. Allele origin: germline. Affected: yes.
Comment: Not observed at significant frequency in large population cohorts (gnomAD); Frameshift variant predicted to result in abnormal protein length as the last 41 amino acids are replaced with 6 different amino acids; Has not been previously published as pathogenic or benign to our knowledge

Labcorp Genetics (formerly Invitae), Labcorp
Classification: Uncertain significance for COG1 congenital disorder of glycosylation. Last evaluated: 2022-02-10. Review status: criteria provided, single submitter. Criteria: Invitae Variant Classification Sherloc (09022015). Collection method: clinical testing. Allele origin: germline.
Comment: In summary, the available evidence is currently insufficient to determine the role of this variant in disease. Therefore, it has been classified as a Variant of Uncertain Significance. Experimental studies and prediction algorithms are not available or were not evaluated, and the functional significance of this variant is currently unknown. ClinVar contains an entry for this variant (Variation ID: 594850). This variant has not been reported in the literature in individuals affected with COG1-related conditions. This variant is present in population databases (rs776834154, gnomAD 0.006%). This sequence change creates a premature translational stop signal (p.Ala940Glyfs*7) in the COG1 gene. While this is not anticipated to result in nonsense mediated decay, it is expected to disrupt the last 41 amino acid(s) of the COG1 protein.

Eurofins Ntd Llc (ga)
Classification: Uncertain significance. Last evaluated: 2017-11-09. Review status: criteria provided, single submitter. Criteria: EGL Classification Definitions 2015. Collection method: clinical testing. Allele origin: germline.